The following is an entry in ClinVar:

NM_001369.3(DNAH5):c.7612A>G (p.Thr2538Ala)

Gene: DNAH5 (dynein axonemal heavy chain 5; minus strand). Cytogenetic location: 5p15.2.
Variant type: single nucleotide variant.
Coding change: c.7612A>G on transcript NM_001369.3 (MANE Select); coding-DNA position 7612, A replaced by G.
Protein change: p.Thr2538Ala; replaces threonine 2538 with alanine.
Molecular consequence: missense variant.
Genome position (GRCh38, 1-based): chr5:13,809,184, T>C on the plus strand (A>G on the coding strand, the complement: DNAH5 is on the minus strand). VCF-style: chr5-13809184-T-C. GRCh37 (hg19) VCF-style: chr5-13809293-T-C.
Other names: short protein forms T2538A.
Identifiers: ClinVar variation 642011 (VCV000642011.6), dbSNP rs1340645369, ClinGen allele CA359231086.
Genomic context (GRCh38, chr5:13,809,184, plus strand): 5'-CTGGGGTGGTATCAGACGGATACAGGTATTCCTGGGTACGCGTGTTCCAGTGCGTCCATG[T>C]ACCTAAGGTGAGCAGAGGACATTTCCATCTCCATATTAATAATTCAACTCCGAACTGTAA-3'
Protein context (NP_001360.1, residues 2528-2548): AFDYYVAPDG[Thr2538Ala]WTHWNTRTQE

ClinVar aggregate classification (germline): Uncertain significance (1 of 4 stars; one submission).

Conditions:
Primary ciliary dyskinesia. Also called: Ciliary dyskinesia. Identifiers: Orphanet 244, MedGen C0008780, MONDO:0016575, HP:0012265.

Allele frequency attached by ClinVar (database versions not stated): TOPMed below 0.00001.
gnomAD v4.1: 2 of 1,614,144 alleles (0.00012%); highest among the groups gnomAD compares: Non-Finnish European, 0.00017%; no homozygotes.

Submission:

Labcorp Genetics (formerly Invitae), Labcorp
Classification: Uncertain significance for Primary ciliary dyskinesia. Last evaluated: 2021-08-30. Review status: criteria provided, single submitter. Criteria: Invitae Variant Classification Sherloc (09022015). Collection method: clinical testing. Allele origin: germline.
Comment: This sequence change replaces threonine with alanine at codon 2538 of the DNAH5 protein (p.Thr2538Ala). The threonine residue is weakly conserved and there is a small physicochemical difference between threonine and alanine. This variant is not present in population databases (ExAC no frequency). This variant has not been reported in the literature in individuals affected with DNAH5-related conditions. Algorithms developed to predict the effect of missense changes on protein structure and function (SIFT, PolyPhen-2, Align-GVGD) all suggest that this variant is likely to be tolerated. In summary, the available evidence is currently insufficient to determine the role of this variant in disease. Therefore, it has been classified as a Variant of Uncertain Significance.